The following is an entry in ClinVar:

NM_138773.4(SLC25A46):c.46G>T (p.Gly16Cys)

Gene: SLC25A46 (solute carrier family 25 member 46; plus strand). Cytogenetic location: 5q22.1.
Variant type: single nucleotide variant.
Coding change: c.46G>T on transcript NM_138773.4 (MANE Select); coding-DNA position 46, G replaced by T.
Protein change: p.Gly16Cys; replaces glycine 16 with cysteine.
Molecular consequence: missense variant. On other transcripts: non-coding transcript variant (1), intron variant (1).
Genome position (GRCh38, 1-based): chr5:110,739,165, G>T. VCF-style: chr5-110739165-G-T. GRCh37 (hg19) VCF-style: chr5-110074866-G-T.
Other names: c.46G>T, p.Gly16Cys (NM_001303249.3); c.10+918G>T (NM_001303250.3); short protein forms G16C.
Identifiers: ClinVar variation 542450 (VCV000542450.9), dbSNP rs770562376, ClinGen allele CA3364463.

ClinVar aggregate classification (germline): Uncertain significance (1 of 4 stars; one submission).

Conditions:
Neuropathy, hereditary motor and sensory, type 6B (HMSN6B). Also called: HMSN VIB; CHARCOT-MARIE-TOOTH DISEASE, TYPE 6B; Neuropathy, hereditary motor and sensory, type VIB; NEUROPATHY, HEREDITARY MOTOR AND SENSORY, TYPE VIB, WITH OPTIC ATROPHY. Identifiers: MedGen C4225302, MONDO:0014671, OMIM 616505.

Allele frequency attached by ClinVar (database versions not stated): ExAC below 0.00001; gnomAD exomes below 0.00001.
gnomAD v4.1: 6 of 1,550,328 alleles (0.00039%); highest among the groups gnomAD compares: Non-Finnish European, 0.00052%; no homozygotes.

Submission:

Labcorp Genetics (formerly Invitae), Labcorp
Classification: Uncertain significance for Neuropathy, hereditary motor and sensory, type 6B. Last evaluated: 2021-09-01. Review status: criteria provided, single submitter. Criteria: Invitae Variant Classification Sherloc (09022015). Collection method: clinical testing. Allele origin: germline.
Comment: This sequence change replaces glycine with cysteine at codon 16 of the SLC25A46 protein (p.Gly16Cys). The glycine residue is moderately conserved and there is a large physicochemical difference between glycine and cysteine. The frequency data for this variant in the population databases is considered unreliable, as metrics indicate poor data quality at this position in the ExAC database. This variant has not been reported in the literature in individuals affected with SLC25A46-related conditions. Algorithms developed to predict the effect of missense changes on protein structure and function are either unavailable or do not agree on the potential impact of this missense change (SIFT: "Tolerated"; PolyPhen-2: "Possibly Damaging"; Align-GVGD: "Class C0"). Algorithms developed to predict the effect of sequence changes on RNA splicing suggest that this variant may create or strengthen a splice site. In summary, the available evidence is currently insufficient to determine the role of this variant in disease. Therefore, it has been classified as a Variant of Uncertain Significance.